The following is an entry in ClinVar:

NM_003331.5(TYK2):c.2500C>T (p.Pro834Ser)

Gene: TYK2 (tyrosine kinase 2; minus strand). Cytogenetic location: 19p13.2.
Variant type: single nucleotide variant.
Coding change: c.2500C>T on transcript NM_003331.5 (MANE Select); coding-DNA position 2500, C replaced by T.
Protein change: p.Pro834Ser; replaces proline 834 with serine.
Molecular consequence: missense variant.
Genome position (GRCh38, 1-based): chr19:10,356,685, G>A on the plus strand (C>T on the coding strand, the complement: TYK2 is on the minus strand). VCF-style: chr19-10356685-G-A. GRCh37 (hg19) VCF-style: chr19-10467361-G-A.
Other names: c.2500C>T (LRG_121t1); short protein forms P834S.
Identifiers: ClinVar variation 649254 (VCV000649254.7), dbSNP rs748485968, ClinGen allele CA9193023.

ClinVar aggregate classification (germline): Uncertain significance (1 of 4 stars; one submission).

Conditions:
Immunodeficiency 35 (IMD35). Also called: TYK2 DEFICIENCY; HYPER-IgE SYNDROME WITH ATYPICAL MYCOBACTERIOSIS, AUTOSOMAL RECESSIVE; Susceptibility to infection due to TYK2 deficiency; HIES WITH ATYPICAL MYCOBACTERIOSIS, AUTOSOMAL RECESSIVE. Identifiers: Orphanet 331226, MedGen C1969086, MONDO:0012682, OMIM 611521.

Allele frequency attached by ClinVar (database versions not stated): gnomAD exomes below 0.00001.

Submission:

Labcorp Genetics (formerly Invitae), Labcorp
Classification: Uncertain significance for Immunodeficiency 35. Last evaluated: 2020-01-08. Review status: criteria provided, single submitter. Criteria: Invitae Variant Classification Sherloc (09022015). Collection method: clinical testing. Allele origin: germline.
Comment: In summary, the available evidence is currently insufficient to determine the role of this variant in disease. Therefore, it has been classified as a Variant of Uncertain Significance. Algorithms developed to predict the effect of missense changes on protein structure and function are either unavailable or do not agree on the potential impact of this missense change (SIFT: "Deleterious"; PolyPhen-2: "Possibly Damaging"; Align-GVGD: "Class C0"). This variant has not been reported in the literature in individuals with TYK2-related disease. The frequency data for this variant in the population databases is considered unreliable, as metrics indicate poor data quality at this position in the ExAC database. This sequence change replaces proline with serine at codon 834 of the TYK2 protein (p.Pro834Ser). The proline residue is highly conserved and there is a moderate physicochemical difference between proline and serine.